The following is an entry in ClinVar:

NM_000238.4(KCNH2):c.2379C>T (p.Asp793=)

Gene: KCNH2 (potassium voltage-gated channel subfamily H member 2; minus strand). Cytogenetic location: 7q36.1.
Variant type: single nucleotide variant.
Coding change: c.2379C>T on transcript NM_000238.4 (MANE Select); coding-DNA position 2379, C replaced by T.
Protein change: p.Asp793=; no amino-acid change (aspartic acid 793 retained).
Molecular consequence: synonymous variant. On other transcripts: non-coding transcript variant (2).
Genome position (GRCh38, 1-based): chr7:150,950,187, G>A on the plus strand (C>T on the coding strand, the complement: KCNH2 is on the minus strand). VCF-style: chr7-150950187-G-A. GRCh37 (hg19) VCF-style: chr7-150647275-G-A.
Other names: c.1359C>T, p.Asp453= (NM_001204798.2, NM_172057.3); c.2091C>T, p.Asp697= (NM_001406753.1, NM_001406756.1); c.2202C>T, p.Asp734= (NM_001406755.1); c.2079C>T, p.Asp693= (NM_001406757.1); c.2379C>T, p.Asp793= (NM_172056.3).
Identifiers: ClinVar variation 456909 (VCV000456909.22), dbSNP rs147507005, ClinGen allele CA031793.

ClinVar aggregate classification (germline): Likely benign. Review status: criteria provided, multiple submitters, no conflicts (2 of 4 stars). 4 submissions from 4 submitters: Likely benign (4). Last evaluated 2025-12-01.

Conditions:
Cardiovascular phenotype. Identifiers: MedGen CN230736.
Long QT syndrome (LQTS). Identifiers: MedGen C0023976, MeSH D008133, MONDO:0002442. Disease mechanism: loss of function. Inheritance: Various modes of inheritance.
Cardiac arrhythmia. Also called: Cardiac rhythm disease; Arrhythmia. Identifiers: MedGen C0003811, MONDO:0007263, HP:0011675.

Allele frequency attached by ClinVar (database versions not stated): gnomAD exomes below 0.00001; TOPMed below 0.00001; ExAC 0.00001; gnomAD 0.00001; ESP Exome Variant Server 0.00008.
gnomAD v4.1: 9 of 1,608,956 alleles (0.00056%); highest among the groups gnomAD compares: African/African-American, 0.0014%; no homozygotes.

Submissions (4):

Labcorp Genetics (formerly Invitae), Labcorp
Classification: Likely benign for Long QT syndrome. Last evaluated: 2025-12-01. Review status: criteria provided, single submitter. Criteria: Invitae Variant Classification Sherloc (09022015). Collection method: clinical testing. Allele origin: germline.

All of Us Research Program, National Institutes of Health
Classification: Likely benign for Long QT syndrome. Last evaluated: 2023-10-06. Review status: criteria provided, single submitter. Criteria: ACMG Guidelines, 2015. Collection method: clinical testing. Allele origin: germline. Inheritance: Autosomal dominant inheritance. Observed: 1 variant allele, 1 heterozygote.
Comment: This study involves interpretation of variants in research participants for the purpose of population health screening. Participant phenotype was not available at the time of variant classification. Additional details can be found in publication PMID: 35346344, PMCID: PMC8962531

Ambry Genetics
Classification: Likely benign for Cardiovascular phenotype. Last evaluated: 2023-05-15. Review status: criteria provided, single submitter. Criteria: Ambry Variant Classification Scheme 2023. Collection method: clinical testing. Allele origin: germline.

Color Diagnostics, LLC DBA Color Health
Classification: Likely benign for Arrhythmia. Last evaluated: 2018-12-03. Review status: criteria provided, single submitter. Criteria: ACMG Guidelines, 2015. Collection method: clinical testing. Allele origin: germline.